The following is an entry in ClinVar:

NM_203486.3(DLL3):c.272C>T (p.Thr91Ile)

Gene: DLL3 (delta like canonical Notch ligand 3; plus strand). Cytogenetic location: 19q13.2.
Variant type: single nucleotide variant.
Coding change: c.272C>T on transcript NM_203486.3 (MANE Select); coding-DNA position 272, C replaced by T.
Protein change: p.Thr91Ile; replaces threonine 91 with isoleucine.
Molecular consequence: missense variant.
Genome position (GRCh38, 1-based): chr19:39,499,394, C>T. VCF-style: chr19-39499394-C-T. GRCh37 (hg19) VCF-style: chr19-39990034-C-T.
Other names: c.272C>T, p.Thr91Ile (NM_016941.4); short protein forms T91I.
Identifiers: ClinVar variation 1933909 (VCV001933909.2), dbSNP rs1181931934, ClinGen allele CA405794014.
Genomic context (GRCh38, chr19:39,499,394, plus strand): 5'-AGGCCGCCGAGTCCCCGTGCGCCCTGGGCGCGGCGCTGAGTGCGCGCGGACCGGTCTACA[C>T]CGAGCAGCCCGGAGCGCCCGCGCCTGATCTCCCACTGCCCGACGGCCTCTTGCAGGTGCC-3'
Protein context (NP_982353.1, residues 81-101): AALSARGPVY[Thr91Ile]EQPGAPAPDL

ClinVar aggregate classification (germline): Uncertain significance (1 of 4 stars; one submission).

Allele frequency attached by ClinVar (database versions not stated): gnomAD exomes 0.00002.

Submission:

Labcorp Genetics (formerly Invitae), Labcorp
Classification: Uncertain significance. Last evaluated: 2022-07-25. Review status: criteria provided, single submitter. Criteria: Invitae Variant Classification Sherloc (09022015). Collection method: clinical testing. Allele origin: germline.
Comment: This sequence change replaces threonine, which is neutral and polar, with isoleucine, which is neutral and non-polar, at codon 91 of the DLL3 protein (p.Thr91Ile). The frequency data for this variant in the population databases is considered unreliable, as metrics indicate poor data quality at this position in the gnomAD database. This variant has not been reported in the literature in individuals affected with DLL3-related conditions. Algorithms developed to predict the effect of missense changes on protein structure and function are either unavailable or do not agree on the potential impact of this missense change (SIFT: "Tolerated"; PolyPhen-2: "Possibly Damaging"; Align-GVGD: "Class C0"). In summary, the available evidence is currently insufficient to determine the role of this variant in disease. Therefore, it has been classified as a Variant of Uncertain Significance.